The following is an entry in ClinVar:

NC_000008.10:g.(?_133492374)_(134296554_?)dup

Genes: CCN4 (cellular communication network factor 4; plus strand), DNAAF11 (dynein axonemal assembly factor 11; minus strand), KCNQ3 (potassium voltage-gated channel subfamily Q member 3; minus strand), NDRG1 (N-myc downstream regulated 1; minus strand), PHF20L1 (PHD finger protein 20 like 1; plus strand) and 3 more. Cytogenetic location: 8q24.22.
Variant type: Duplication.
Identifiers: ClinVar variation 3245518 (VCV003245518.1).

ClinVar aggregate classification (germline): Uncertain significance (1 of 4 stars; one submission).

Conditions:
Benign neonatal seizures. Also called: Benign familial neonatal seizures; Convulsions benign familial neonatal dominant form; Autosomal dominant form of benign neonatal seizures; Benign neonatal familial convulsions; Benign familial neonatal epilepsy. Identifiers: Orphanet 1949, MedGen C0220669, MONDO:0016027.

Submission:

Labcorp Genetics (formerly Invitae), Labcorp
Classification: Uncertain significance for Benign neonatal seizures. Last evaluated: 2022-12-30. Review status: criteria provided, single submitter. Criteria: Invitae Variant Classification Sherloc (09022015). Collection method: clinical testing. Allele origin: unknown.
Comment: In summary, the available evidence is currently insufficient to determine the role of this variant in disease. Therefore, it has been classified as a Variant of Uncertain Significance. Experimental studies and prediction algorithms are not available or were not evaluated, and the functional significance of this variant is currently unknown. This variant has not been reported in the literature in individuals affected with KCNQ3-related conditions. This variant results in a copy number gain of the genomic region encompassing exon(s) 1 of the KCNQ3 gene. This region includes the initiator codon of the gene. This copy number gain extends beyond the assayed region for this gene and therefore may encompass additional genes. As the precise location of this event is unknown, it may be in tandem or it may be located elsewhere in the genome.